The following is an entry in ClinVar:

NM_001999.4(FBN2):c.4594+4T>C

Gene: FBN2 (fibrillin 2; minus strand). Cytogenetic location: 5q23.3.
Variant type: single nucleotide variant.
Coding change: c.4594+4T>C on transcript NM_001999.4 (MANE Select); 4 bases into the intron after coding-DNA position 4594, T replaced by C.
Molecular consequence: intron variant.
Genome position (GRCh38, 1-based): chr5:128,318,875, A>G on the plus strand (T>C on the coding strand, the complement: FBN2 is on the minus strand). VCF-style: chr5-128318875-A-G. GRCh37 (hg19) VCF-style: chr5-127654567-A-G.
Identifiers: ClinVar variation 4725485 (VCV004725485.1).
Genomic context (GRCh38, chr5:128,318,875, plus strand): 5'-ATGCTTAGCACAGAATACTCATTTCAATGAATCAGAACACAACTTAGCTGGTAACTGACC[A>G]TACCTGTACAGTTCCCTCCTGTTCTGTCCAATTCATAACCATCATCGCAGATGCAATGAA-3'

ClinVar aggregate classification (germline): Uncertain significance (1 of 4 stars; one submission).

Conditions:
Congenital contractural arachnodactyly (CCA). Also called: Arthrogryposis, distal, type 9; BEALS SYNDROME; Beals-Hecht syndrome. Identifiers: Orphanet 115, MedGen C0220668, MONDO:0007363, OMIM 121050.

Submission:

Labcorp Genetics (formerly Invitae), Labcorp
Classification: Uncertain significance for Congenital contractural arachnodactyly. Last evaluated: 2025-08-15. Review status: criteria provided, single submitter. Criteria: Invitae Variant Classification Sherloc (09022015). Collection method: clinical testing. Allele origin: germline.
Comment: This sequence change falls in intron 35 of the FBN2 gene. It does not directly change the encoded amino acid sequence of the FBN2 protein. It affects a nucleotide within the consensus splice site. This variant is not present in population databases (gnomAD no frequency). This variant has not been reported in the literature in individuals affected with FBN2-related conditions. Variants that disrupt the consensus splice site are a relatively common cause of aberrant splicing (PMID: 17576681, 9536098). Algorithms developed to predict the effect of sequence changes on RNA splicing suggest that this variant is not likely to affect RNA splicing. In summary, the available evidence is currently insufficient to determine the role of this variant in disease. Therefore, it has been classified as a Variant of Uncertain Significance.

Literature cited by the submitters: PubMed 17576681; PubMed 9536098.